The following is an entry in ClinVar:

ClinVar aggregate classification (germline): Benign. Review status: criteria provided, multiple submitters, no conflicts (2 of 4 stars). 10 submissions from 7 submitters: Benign (10). Last evaluated 2026-02-04.

Conditions:
Junctional epidermolysis bullosa, non-Herlitz type. Also called: Adult junctional epidermolysis bullosa; COL17A1-Related Junctional Epidermolysis Bullosa; Epidermolysis bullosa, junctional, non-herlitz type, somatic mosaic revertant; EPIDERMOLYSIS BULLOSA JUNCTIONALIS, DISENTIS TYPE; EPIDERMOLYSIS BULLOSA JUNCTIONALIS, NON-HERLITZ TYPE; EPIDERMOLYSIS BULLOSA JUNCTIONALIS, PROGRESSIVE. Identifiers: Orphanet 251393, Orphanet 79402, Orphanet 79405, Orphanet 89840, MedGen C0268374, MONDO:0009180, OMIM 226650.
Junctional epidermolysis bullosa gravis of Herlitz. Also called: Epidermolysis Bullosa Letalis; EPIDERMOLYSIS BULLOSA JUNCTIONALIS, HERLITZ TYPE; EPIDERMOLYSIS BULLOSA, JUNCTIONAL, HERLITZ-PEARSON TYPE; JEB-HERLITZ TYPE; EPIDERMOLYSIS BULLOSA, JUNCTIONAL 1B, SEVERE; Herlitz-type junctional epidermolysis bullosa. Identifiers: Orphanet 79404, MedGen C0079683, MONDO:0009182, OMIM 226700.
Laryngo-onycho-cutaneous syndrome (JEB2C). Also called: SHABBIR SYNDROME; LOGIC SYNDROME; EPIDERMOLYSIS BULLOSA, JUNCTIONAL 2C, LARYNGOONYCHOCUTANEOUS. Identifiers: Orphanet 2407, MedGen C1328355, MONDO:0009513, OMIM 245660.

Allele frequency attached by ClinVar (database versions not stated): 1000 Genomes Project 30x 0.16240; 1000 Genomes Project 0.16833; TOPMed 0.18149; ESP Exome Variant Server 0.19883; gnomAD 0.21073.
gnomAD v4.1: 413,329 of 1,613,664 alleles (26%); highest among the groups gnomAD compares: Non-Finnish European, 28%; 55,712 homozygotes.

Submissions (10):

Labcorp Genetics (formerly Invitae), Labcorp
Classification: Benign. Last evaluated: 2026-02-04. Review status: criteria provided, single submitter. Criteria: Invitae Variant Classification Sherloc (09022015). Collection method: clinical testing. Allele origin: germline.

Genome-Nilou Lab
Classification: Benign for Junctional epidermolysis bullosa, non-Herlitz type. Last evaluated: 2021-07-10. Review status: criteria provided, single submitter. Criteria: ACMG Guidelines, 2015. Collection method: clinical testing. Allele origin: germline. Affected: no.

Genome-Nilou Lab
Classification: Benign for Junctional epidermolysis bullosa gravis of Herlitz. Last evaluated: 2021-07-10. Review status: criteria provided, single submitter. Criteria: ACMG Guidelines, 2015. Collection method: clinical testing. Allele origin: germline. Affected: no.

Genome-Nilou Lab
Classification: Benign for Laryngo-onycho-cutaneous syndrome. Last evaluated: 2021-07-10. Review status: criteria provided, single submitter. Criteria: ACMG Guidelines, 2015. Collection method: clinical testing. Allele origin: germline. Affected: no.

Illumina Laboratory Services, Illumina
Classification: Benign for Laryngo-onycho-cutaneous syndrome. Last evaluated: 2018-01-12. Review status: criteria provided, single submitter. Criteria: ICSL Variant Classification Criteria 13 December 2019. Collection method: clinical testing. Allele origin: germline.
Comment: This variant was observed in the ICSL laboratory as part of a predisposition screen in an ostensibly healthy population. It had not been previously curated by ICSL or reported in the Human Gene Mutation Database (HGMD: prior to June 1st, 2018), and was therefore a candidate for classification through an automated scoring system. Utilizing variant allele frequency, disease prevalence and penetrance estimates, and inheritance mode, an automated score was calculated to assess if this variant is too frequent to cause the disease. Based on the score and internal cut-off values, a variant classified as benign is not then subjected to further curation. The score for this variant resulted in a classification of benign for this disease.

Illumina Laboratory Services, Illumina
Classification: Benign for Junctional epidermolysis bullosa gravis of Herlitz. Last evaluated: 2018-01-12. Review status: criteria provided, single submitter. Criteria: ICSL Variant Classification Criteria 13 December 2019. Collection method: clinical testing. Allele origin: germline.
Comment: the same text as in the submission from Illumina Laboratory Services, Illumina above.

Laboratory for Molecular Medicine, Mass General Brigham Personalized Medicine
Classification: Benign. Last evaluated: 2016-03-29. Review status: criteria provided, single submitter. Criteria: LMM Criteria. Collection method: clinical testing. Allele origin: germline.
Comment: Variant identified in a genome or exome case(s) and assessed due to predicted null impact of the variant or pathogenic assertions in the literature or databases. Disclaimer: This variant has not undergone full assessment. The following are preliminary notes: Frequency

GeneDx
Classification: Benign. Last evaluated: 2015-03-03. Review status: criteria provided, single submitter. Criteria: GeneDx Variant Classification Process June 2021. Collection method: clinical testing. Allele origin: germline. Affected: yes.

Breakthrough Genomics
Classification: Benign. Review status: criteria provided, single submitter. Criteria: ACMG Guidelines, 2015. Collection method: not provided. Allele origin: germline. Inheritance: Autosomal recessive inheritance. Affected: yes.

PreventionGenetics, part of Exact Sciences
Classification: Benign. Review status: criteria provided, single submitter. Criteria: ACMG Guidelines, 2015. Collection method: clinical testing. Allele origin: germline.

NM_198129.4(LAMA3):c.6147C>G (p.Ala2049=)

Gene: LAMA3 (laminin subunit alpha 3; plus strand). Cytogenetic location: 18q11.2.
Variant type: single nucleotide variant.
Coding change: c.6147C>G on transcript NM_198129.4 (MANE Select); coding-DNA position 6147, C replaced by G.
Protein change: p.Ala2049=; no amino-acid change (alanine 2049 retained).
Molecular consequence: synonymous variant.
Genome position (GRCh38, 1-based): chr18:23,901,269, C>G. VCF-style: chr18-23901269-C-G. GRCh37 (hg19) VCF-style: chr18-21481233-C-G.
Other names: c.1320C>G, p.Ala440= (NM_000227.6); c.5979C>G, p.Ala1993= (NM_001127717.4); c.1152C>G, p.Ala384= (NM_001127718.4).
Identifiers: ClinVar variation 255573 (VCV000255573.23), dbSNP rs1154226, ClinGen allele CA8916280.
Genomic context (GRCh38, chr18:23,901,269, plus strand): 5'-TGAATACGAAGCCAAACTCAGTGACCTTCGTGCTCGGCTGCAGGAGGCAGCTGCCCAAGC[C>G]AAGCAGGCAAATGGCTTGAACCAAGAAAACGAGAGAGCTTTGGGAGCCATTCAGGTGAGT-3'
Protein context (NP_937762.2, residues 2039-2059): RARLQEAAAQ[Ala2049=]KQANGLNQEN